The following is an entry in ClinVar:

NM_016360.4(TACO1):c.583del (p.Asp195fs)

Gene: TACO1 (translational activator of cytochrome c oxidase I; plus strand). Cytogenetic location: 17q23.3.
Variant type: Deletion.
Coding change: c.583del on transcript NM_016360.4 (MANE Select); coding-DNA position 583, one base deleted (G; older notation c.583delG).
Protein change: p.Asp195fs; shifts the reading frame from aspartic acid 195.
Molecular consequence: frameshift variant.
Genome position (GRCh38, 1-based): chr17:63,607,354, G deleted; the last of 2 consecutive G bases (chr17:63,607,353-63,607,354); deleting either gives the same sequence. VCF-style (leftmost placement, unchanged base first): chr17-63607352-AG-A. GRCh37 (hg19) VCF-style: chr17-61684712-AG-A.
Other names: short protein forms D195fs.
Identifiers: ClinVar variation 931471 (VCV000931471.3), dbSNP rs2033870567, ClinGen allele CA1139665816.

ClinVar aggregate classification (germline): Likely pathogenic (1 of 4 stars; one submission).

Conditions:
Mitochondrial complex IV deficiency, nuclear type 1 (MC4DN1). Also called: Mitochondrial complex IV deficiency; Complex 4 mitochondrial respiratory chain deficiency; Deficiency of mitochondrial respiratory chain complex4; Complex IV deficiency; COX DEFICIENCY. Identifiers: MedGen C5435656, MONDO:0700250, OMIM 220110. Disease mechanism: loss of function.

Submission:

Centre for Mendelian Genomics, University Medical Centre Ljubljana
Classification: Likely pathogenic for Mitochondrial complex IV deficiency, nuclear type 1. Last evaluated: 2016-01-01. Review status: criteria provided, single submitter. Criteria: ACMG Guidelines, 2015. Collection method: clinical testing. Allele origin: unknown. Affected: yes.
Comment: This variant was classified as: Likely pathogenic. The following ACMG criteria were applied in classifying this variant: PVS1,PM2.